The following is an entry in ClinVar:

NM_025265.4(TSEN2):c.909+34G>A

Gene: TSEN2 (tRNA splicing endonuclease subunit 2; plus strand). Cytogenetic location: 3p25.2.
Variant type: single nucleotide variant.
Coding change: c.909+34G>A on transcript NM_025265.4 (MANE Select); 34 bases into the intron after coding-DNA position 909, G replaced by A.
Molecular consequence: intron variant.
Genome position (GRCh38, 1-based): chr3:12,505,265, G>A. VCF-style: chr3-12505265-G-A. GRCh37 (hg19) VCF-style: chr3-12546764-G-A.
Other names: c.909+34G>A (NM_001321278.2, NM_001145392.2, NM_001321277.2); c.831+1481G>A (NM_001321279.2, NM_001145393.3); c.732+34G>A (NM_001145394.2).
Identifiers: ClinVar variation 160117 (VCV000160117.9), dbSNP rs78943415, ClinGen allele CA173689.
Genomic context (GRCh38, chr3:12,505,265, plus strand): 5'-GAGTATTTGCAACTCAGCCTAGAAGAGGTATGTTTTCAACATATTATTATTTCAGCCATC[G>A]GTCTCTGGGCCTGAACTACACTATATGTGAACCTACCTCACAGTGTAGTTCTGTATGTAA-3'

ClinVar aggregate classification (germline): Benign. Review status: criteria provided, multiple submitters, no conflicts (2 of 4 stars). 3 submissions from 3 submitters: Benign (2). 1 of the submissions does not count toward it. Last evaluated 2018-11-05.

Allele frequency attached by ClinVar (database versions not stated): gnomAD exomes 0.00286 and 0.00688; ExAC 0.00876; gnomAD 0.02628 and 0.02811; ESP Exome Variant Server 0.02737; TOPMed 0.03027; 1000 Genomes Project 0.03195; 1000 Genomes Project 30x 0.03342.
gnomAD v4.1: 7,689 of 1,388,750 alleles (0.55%); highest among the groups gnomAD compares: African/African-American, 9%; 296 homozygotes.

Submissions (3):

GeneDx
Classification: Benign. Last evaluated: 2018-11-05. Review status: criteria provided, single submitter. Criteria: GeneDx Variant Classification Process June 2021. Collection method: clinical testing. Allele origin: germline. Affected: yes.

Breakthrough Genomics
Classification: Benign. Review status: criteria provided, single submitter. Criteria: ACMG Guidelines, 2015. Collection method: not provided. Allele origin: germline. Inheritance: Autosomal recessive inheritance. Affected: yes.

Genetic Services Laboratory, University of Chicago
Classification: Likely benign. Review status: no assertion criteria provided. Collection method: clinical testing. Allele origin: germline. Inheritance: Autosomal recessive inheritance. Not counted in ClinVar's aggregate classification.
Comment: Likely benign based on allele frequency in 1000 Genomes Project or ESP global frequency and its presence in a patient with a rare or unrelated disease phenotype. NOT Sanger confirmed